The following is an entry in ClinVar:

ClinVar aggregate classification (germline): Conflicting classifications of pathogenicity. Review status: criteria provided, conflicting classifications (1 of 4 stars). 2 submissions from 2 submitters: Uncertain significance (1); Benign (1). Last evaluated 2026-01-28.

Conditions:
Ciliary dyskinesia, primary, 42. Also called: CILIARY DYSKINESIA, PRIMARY, 42, WITHOUT SITUS INVERSUS. Identifiers: MedGen C5231464, MONDO:0032872, OMIM 618695.
Primary ciliary dyskinesia. Also called: Ciliary dyskinesia. Identifiers: Orphanet 244, MedGen C0008780, MONDO:0016575, HP:0012265.

Allele frequency attached by ClinVar (database versions not stated): ExAC 0.00062; 1000 Genomes Project 0.00459; 1000 Genomes Project 30x 0.00515.
gnomAD v4.1: 907 of 1,479,038 alleles (0.061%); highest among the groups gnomAD compares: African/African-American, 0.68%; no homozygotes.

Submissions (2):

Labcorp Genetics (formerly Invitae), Labcorp
Classification: Benign for Primary ciliary dyskinesia. Last evaluated: 2026-01-28. Review status: criteria provided, single submitter. Criteria: Invitae Variant Classification Sherloc (09022015). Collection method: clinical testing. Allele origin: germline.

ARUP Laboratories, Molecular Genetics and Genomics, ARUP Laboratories
Classification: Uncertain significance for Ciliary dyskinesia, primary, 42. Last evaluated: 2022-03-31. Review status: criteria provided, single submitter. Criteria: ARUP Molecular Germline Variant Investigation Process 2021. Collection method: clinical testing. Allele origin: germline.
Comment: The MCIDAS c.121-19C>A variant (rs181955833), to our knowledge, is not reported in the medical literature or gene-specific databases. This variant is found in the African population with an allele frequency of 0.75% (79/10576 alleles) in the Genome Aggregation Database. This is an intronic variant in a weakly conserved nucleotide, but computational analyses (Alamut v.2.11) predict that this variant may impact splicing by weakening the nearby canonical acceptor splice site. However, RNA studies would be required to confirm an effect on splicing. Given the lack of clinical and functional data, the significance of the c.121-19C>A variant is uncertain at this time.

NM_001190787.3(MCIDAS):c.121-19C>A

Gene: MCIDAS (multiciliate differentiation and DNA synthesis associated cell cycle protein; minus strand). Cytogenetic location: 5q11.2.
Variant type: single nucleotide variant.
Coding change: c.121-19C>A on transcript NM_001190787.3 (MANE Select); 19 bases into the intron before coding-DNA position 121, C replaced by A.
Molecular consequence: intron variant.
Genome position (GRCh38, 1-based): chr5:55,226,950, G>T on the plus strand (C>A on the coding strand, the complement: MCIDAS is on the minus strand). VCF-style: chr5-55226950-G-T. GRCh37 (hg19) VCF-style: chr5-54522778-G-T.
Identifiers: ClinVar variation 1574564 (VCV001574564.10), dbSNP rs181955833, ClinGen allele CA3266600.